The following is an entry in ClinVar:

ClinVar aggregate classification (germline): Benign/Likely benign. Review status: criteria provided, multiple submitters, no conflicts (2 of 4 stars). 5 submissions from 5 submitters: Benign (1); Likely benign (4). Last evaluated 2025-02-16.

Allele frequency attached by ClinVar (database versions not stated): 1000 Genomes Project 30x 0.00016; TOPMed 0.00032; gnomAD exomes 0.00072; gnomAD 0.00074 and 0.00077; ExAC 0.00083.
gnomAD v4.1: 804 of 1,607,602 alleles (0.05%); highest among the groups gnomAD compares: Non-Finnish European, 0.051%; 3 homozygotes.

Submissions (5):

Laboratory of Genetics, Children's Clinical University Hospital Latvia
Classification: Benign. Last evaluated: 2025-02-16. Review status: criteria provided, single submitter. Criteria: ACMG Guidelines, 2015. Collection method: clinical testing. Allele origin: germline. Affected: yes.

Blueprint Genetics
Classification: Likely benign. Last evaluated: 2024-11-13. Review status: criteria provided, single submitter. Criteria: ACMG Guidelines, 2015. Collection method: clinical testing. Allele origin: germline.

Labcorp Genetics (formerly Invitae), Labcorp
Classification: Likely benign. Last evaluated: 2024-02-06. Review status: criteria provided, single submitter. Criteria: Invitae Variant Classification Sherloc (09022015). Collection method: clinical testing. Allele origin: germline.

CeGaT Center for Human Genetics Tuebingen
Classification: Likely benign. Last evaluated: 2023-01-01. Review status: criteria provided, single submitter. Criteria: CeGaT Center For Human Genetics Tuebingen Variant Classification Criteria Version 2. Collection method: clinical testing. Allele origin: germline. Affected: yes. Observed: 2 variant alleles.
Comment: DIAPH3: BP4, BP7

GeneDx
Classification: Likely benign. Last evaluated: 2020-11-24. Review status: criteria provided, single submitter. Criteria: GeneDx Variant Classification Process June 2021. Collection method: clinical testing. Allele origin: germline. Affected: yes.

NM_001042517.2(DIAPH3):c.84C>A (p.Arg28=)

Gene: DIAPH3 (diaphanous related formin 3; minus strand). Cytogenetic location: 13q21.2.
Variant type: single nucleotide variant.
Coding change: c.84C>A on transcript NM_001042517.2 (MANE Select); coding-DNA position 84, C replaced by A.
Protein change: p.Arg28=; no amino-acid change (arginine 28 retained).
Molecular consequence: synonymous variant.
Genome position (GRCh38, 1-based): chr13:60,163,683, G>T on the plus strand (C>A on the coding strand, the complement: DIAPH3 is on the minus strand). VCF-style: chr13-60163683-G-T. GRCh37 (hg19) VCF-style: chr13-60737817-G-T.
Other names: c.84C>A, p.Arg28= (NM_001258366.2, NM_001258367.2, NM_001258368.2 and 1 more transcripts).
Identifiers: ClinVar variation 1212322 (VCV001212322.33), dbSNP rs201724509, ClinGen allele CA6997121.
Genomic context (GRCh38, chr13:60,163,683, plus strand): 5'-ACTGGGCGGCGGAGGGTGTTGGGGGCCCTTCCTGCGCGGCATCTTGCTTTCCCGGCAGCC[G>T]CGGAGAGAGGCTGAGGAAGGGTAGGGAGTCCCAGCGGCTGAGCCTTGGGCCGGGTGGTGC-3'
Protein context (NP_001035982.1, residues 18-38): GTPYPSSASL[Arg28=]GCRESKMPRR